The following is an entry in ClinVar:

NM_007294.4(BRCA1):c.4358-2359T>C

Gene: BRCA1 (BRCA1 DNA repair associated; minus strand). Cytogenetic location: 17q21.31.
Variant type: single nucleotide variant.
Coding change: c.4358-2359T>C on transcript NM_007294.4 (MANE Select); 2359 bases into the intron before coding-DNA position 4358, T replaced by C.
Molecular consequence: intron variant.
Genome position (GRCh38, 1-based): chr17:43,078,973, A>G on the plus strand (T>C on the coding strand, the complement: BRCA1 is on the minus strand). VCF-style: chr17-43078973-A-G. GRCh37 (hg19) VCF-style: chr17-41230990-A-G.
Other names: IVS 13-2359T>C; c.4094-2362T>C (NM_001407928.1, NM_001407929.1, NM_001407927.1); c.4094-2359T>C (NM_001407925.1, NM_001407921.1, NM_001407926.1 and 4 more transcripts); c.905-2359T>C (NM_001408467.1, NM_001408466.1, NM_001408465.1 and 3 more transcripts); c.908-2362T>C (NM_001408459.1, NM_001408460.1, NM_001408458.1 and 1 more transcripts); c.4217-2362T>C (NM_001407945.1, NM_001407736.1, NM_001407944.1 and 7 more transcripts); c.4217-2359T>C (NM_007297.4, NM_001407731.1, NM_001407695.1 and 13 more transcripts); c.845-2359T>C (NM_001408475.1); and 99 more.
Identifiers: ClinVar variation 209396 (VCV000209396.2), dbSNP rs8176196, ClinGen allele CA276368.

ClinVar aggregate classification (germline): Benign (3 of 4 stars; one submission).

Conditions:
Breast-ovarian cancer, familial, susceptibility to, 1 (BROVCA1). Also called: BRCA1 Hereditary Breast and Ovarian Cancer; OVARIAN CANCER, SUSCEPTIBILITY TO. Identifiers: Orphanet 145, MedGen C2676676, MONDO:0011450, OMIM 604370. Disease mechanism: loss of function.

Allele frequency attached by ClinVar (database versions not stated): gnomAD 0.45375 and 0.45456; TOPMed 0.45525; 1000 Genomes Project 0.50300; 1000 Genomes Project 30x 0.50468.
gnomAD v4.1: 68,759 of 151,998 alleles (45%); highest among the groups gnomAD compares: African/African-American, 69%; 17,344 homozygotes.

Submission:

Evidence-based Network for the Interpretation of Germline Mutant Alleles (ENIGMA)
Classification: Benign for Breast-ovarian cancer, familial 1. Last evaluated: 2015-01-12. Review status: reviewed by expert panel. Criteria: ENIGMA BRCA1/2 Classification Criteria (2015). Collection method: curation. Allele origin: germline.
Comment: Class 1 not pathogenic based on frequency >1% in an outbred sampleset. Frequency 0.3304 (Asian), 0.2886 (African), 0.3681 (European), derived from 1000 genomes (2012-04-30).